The following is an entry in ClinVar:

NM_000059.4(BRCA2):c.203A>G (p.Lys68Arg)

Gene: BRCA2 (BRCA2 DNA repair associated; plus strand). Cytogenetic location: 13q13.1.
Variant type: single nucleotide variant.
Coding change: c.203A>G on transcript NM_000059.4 (MANE Select); coding-DNA position 203, A replaced by G.
Protein change: p.Lys68Arg; replaces lysine 68 with arginine.
Molecular consequence: missense variant.
Genome position (GRCh38, 1-based): chr13:32,319,212, A>G. VCF-style: chr13-32319212-A-G. GRCh37 (hg19) VCF-style: chr13-32893349-A-G.
Other names: short protein forms K68R.
Identifiers: ClinVar variation 963663 (VCV000963663.10), dbSNP rs2072287399, ClinGen allele CA387754404.

ClinVar aggregate classification (germline): Uncertain significance (1 of 4 stars; one submission).

Conditions:
Hereditary breast ovarian cancer syndrome. Also called: BRCA1- and BRCA2-Associated Hereditary Breast and Ovarian Cancer; Hereditary breast and ovarian cancer; Hereditary breast and/or ovarian cancer syndrome; Hereditary breast and ovarian cancer syndrome; Hereditary breast and ovarian cancer syndrome (HBOC); Breast and ovarian cancer. Identifiers: Orphanet 145, MedGen C0677776, MeSH D061325, MONDO:0003582. Disease mechanism: loss of function.

Submission:

Labcorp Genetics (formerly Invitae), Labcorp
Classification: Uncertain significance for Hereditary breast ovarian cancer syndrome. Last evaluated: 2019-08-13. Review status: criteria provided, single submitter. Criteria: Invitae Variant Classification Sherloc (09022015). Collection method: clinical testing. Allele origin: germline.
Comment: This sequence change replaces lysine with arginine at codon 68 of the BRCA2 protein (p.Lys68Arg). The lysine residue is highly conserved and there is a small physicochemical difference between lysine and arginine. This variant is not present in population databases (ExAC no frequency). This variant has not been reported in the literature in individuals with BRCA2-related conditions. Algorithms developed to predict the effect of missense changes on protein structure and function (SIFT, PolyPhen-2, Align-GVGD) all suggest that this variant is likely to be tolerated, but these predictions have not been confirmed by published functional studies and their clinical significance is uncertain. In summary, the available evidence is currently insufficient to determine the role of this variant in disease. Therefore, it has been classified as a Variant of Uncertain Significance.